The following is an entry in ClinVar:

ClinVar aggregate classification (germline): Benign/Likely benign (0 of 4 stars; one submission).

Submission:

ISCA Site 6
Classification: Benign/Likely benign. Review status: no assertion criteria provided. Collection method: clinical testing. Allele origin: unknown. Affected: yes. Observed: 9 variant alleles. Clinical features observed: Developmental delay AND/OR other significant developmental or morphological phenotypes.
Comment: Likely benign (1), Benign (8)

Copy number variation identified through the course of routine clinical cytogenomic testing in postnatal populations, with clinical assertions as classified by the original submitter. For data from the original published study, Kaminsky, et al. 2011 (PubMed 21844811), please see nstd101.

GRCh37/hg19 11p15.4(chr11:5269595-5275588)x3

Genes: HBG1 (hemoglobin subunit gamma 1; minus strand), HBG2 (hemoglobin subunit gamma 2; minus strand). Cytogenetic location: 11p15.4.
Variant type: copy number gain.
Change: copy number 3 (three copies instead of two) of chr11:5,269,595-5,275,588 (6.0 kb, GRCh37 coordinates, 1-based), cytogenetic band 11p15.4.
Identifiers: ClinVar variation 395433 (VCV000395433.3).